The following is an entry in ClinVar:

ClinVar aggregate classification (germline): Likely benign (1 of 4 stars; one submission).

Allele frequency attached by ClinVar (database versions not stated): gnomAD exomes below 0.00001; TOPMed below 0.00001.
gnomAD v4.1: 1 of 1,613,592 alleles (0.000062%); highest among the groups gnomAD compares: Non-Finnish European, 0.000085%; no homozygotes.

Submission:

GeneDx
Classification: Likely benign. Last evaluated: 2016-09-28. Review status: criteria provided, single submitter. Criteria: GeneDx Variant Classification (06012015). Collection method: clinical testing. Allele origin: germline. Affected: yes.
Comment: This variant is considered likely benign or benign based on one or more of the following criteria: it is a conservative change, it occurs at a poorly conserved position in the protein, it is predicted to be benign by multiple in silico algorithms, and/or has population frequency not consistent with disease.

NM_000136.3(FANCC):c.*10A>C

Genes: AOPEP (aminopeptidase O (putative); plus strand), FANCC (FA complementation group C; minus strand). Cytogenetic location: 9q22.32.
Variant type: single nucleotide variant.
Coding change: c.*10A>C on transcript NM_000136.3 (MANE Select); 10 bases downstream of the stop codon, A replaced by C.
Molecular consequence: 3 prime UTR variant.
Genome position (GRCh38, 1-based): chr9:95,101,697, T>G on the plus strand (A>C on the coding strand, the complement: FANCC is on the minus strand). VCF-style: chr9-95101697-T-G. GRCh37 (hg19) VCF-style: chr9-97863979-T-G.
Other names: c.*10A>C (NM_001243743.2).
Identifiers: ClinVar variation 389719 (VCV000389719.1), dbSNP rs1015228314, ClinGen allele CA16605894.
Genomic context (GRCh38, chr9:95,101,697, plus strand): 5'-TCATCACCTGTCCTGTGGCCCTGGCGAGCCTGATCCCTCACGCCGGGCACCCACACGGCC[T>G]GCGTGCCTTCTAGACTTGAGTTCGCAGCTCTTTAAGGAGCTCTCGGGCCAGTTTTTCTGA-3'